The following is an entry in ClinVar:

NM_198576.4(AGRN):c.4893C>T (p.Asp1631=)

Gene: AGRN (agrin; plus strand). Cytogenetic location: 1p36.33.
Variant type: single nucleotide variant.
Coding change: c.4893C>T on transcript NM_198576.4 (MANE Select); coding-DNA position 4893, C replaced by T.
Protein change: p.Asp1631=; no amino-acid change (aspartic acid 1631 retained).
Molecular consequence: synonymous variant.
Genome position (GRCh38, 1-based): chr1:1,050,246, C>T. VCF-style: chr1-1050246-C-T. GRCh37 (hg19) VCF-style: chr1-985626-C-T.
Other names: p.Asp1631=; c.4893C>T, p.Asp1631= (NM_001305275.2); c.4578C>T, p.Asp1526= (NM_001364727.2).
Identifiers: ClinVar variation 474140 (VCV000474140.17), dbSNP rs139400715, ClinGen allele CA509758.

ClinVar aggregate classification (germline): Benign/Likely benign. Review status: criteria provided, multiple submitters, no conflicts (2 of 4 stars). 5 submissions from 5 submitters: Benign (4); Likely benign (1). Last evaluated 2026-01-24.

Conditions:
Congenital myasthenic syndrome 8. Also called: Myasthenic syndrome, congenital, 8, with pre- and postsynaptic defects; MYASTHENIC SYNDROME, CONGENITAL, DUE TO AGRIN DEFICIENCY. Identifiers: Orphanet 590, MedGen C3808739, MONDO:0014052, OMIM 615120.

Allele frequency attached by ClinVar (database versions not stated): gnomAD exomes 0.00065 and 0.00167; ExAC 0.00205; 1000 Genomes Project 0.00539; 1000 Genomes Project 30x 0.00562; gnomAD 0.00674 and 0.00732; TOPMed 0.00782; ESP Exome Variant Server 0.00861.
gnomAD v4.1: 2,008 of 1,613,126 alleles (0.12%); highest among the groups gnomAD compares: African/African-American, 2.4%; 23 homozygotes.

Submissions (5):

Labcorp Genetics (formerly Invitae), Labcorp
Classification: Benign for Congenital myasthenic syndrome 8. Last evaluated: 2026-01-24. Review status: criteria provided, single submitter. Criteria: Invitae Variant Classification Sherloc (09022015). Collection method: clinical testing. Allele origin: germline.

Mayo Clinic Laboratories, Mayo Clinic
Classification: Benign. Last evaluated: 2025-01-28. Review status: criteria provided, single submitter. Criteria: ACMG Guidelines, 2015. Collection method: clinical testing. Allele origin: germline. Observed: 1 variant allele.
Comment: BS1, BS2, BP4, BP7

Blueprint Genetics
Classification: Likely benign. Last evaluated: 2024-10-22. Review status: criteria provided, single submitter. Criteria: ACMG Guidelines, 2015. Collection method: clinical testing. Allele origin: germline.

GeneDx
Classification: Benign. Last evaluated: 2020-11-18. Review status: criteria provided, single submitter. Criteria: GeneDx Variant Classification Process June 2021. Collection method: clinical testing. Allele origin: germline. Affected: yes.

Breakthrough Genomics
Classification: Benign. Review status: criteria provided, single submitter. Criteria: ACMG Guidelines, 2015. Collection method: not provided. Allele origin: germline. Inheritance: Autosomal recessive inheritance. Affected: yes.